The following is an entry in ClinVar:

NM_014476.6(PDLIM3):c.1033G>C (p.Ala345Pro)

Gene: PDLIM3 (PDZ and LIM domain 3; minus strand). Cytogenetic location: 4q35.1.
Variant type: single nucleotide variant.
Coding change: c.1033G>C on transcript NM_014476.6 (MANE Select); coding-DNA position 1033, G replaced by C.
Protein change: p.Ala345Pro; replaces alanine 345 with proline.
Molecular consequence: missense variant. On other transcripts: non-coding transcript variant (1).
Genome position (GRCh38, 1-based): chr4:185,502,356, C>G on the plus strand (G>C on the coding strand, the complement: PDLIM3 is on the minus strand). VCF-style: chr4-185502356-C-G. GRCh37 (hg19) VCF-style: chr4-186423510-C-G.
Other names: c.532G>C, p.Ala178Pro (NM_001257963.2); c.889G>C, p.Ala297Pro (NM_001114107.5); c.769G>C, p.Ala257Pro (NM_001257962.2); short protein forms A345P, A297P, A178P, A257P.
Identifiers: ClinVar variation 1398471 (VCV001398471.8), dbSNP rs373408599, ClinGen allele CA358919270.

ClinVar aggregate classification (germline): Uncertain significance (1 of 4 stars; one submission).

Conditions:
Primary dilated cardiomyopathy (DCM). Also called: Dilated Cardiomyopathy. Identifiers: Orphanet 217604, MedGen C0007193, MeSH D002311, MONDO:0005021, HP:0001644. Inheritance: Various modes of inheritance.
Hypertrophic cardiomyopathy. Also called: HYPERTROPHIC MYOCARDIOPATHY. Identifiers: Orphanet 217569, MedGen C0007194, MeSH D002312, MONDO:0005045, HP:0001639.

gnomAD v4.1: 3 of 1,614,220 alleles (0.00019%); highest among the groups gnomAD compares: East Asian, 0.0022%; no homozygotes.

Submission:

Labcorp Genetics (formerly Invitae), Labcorp
Classification: Uncertain significance for Hypertrophic cardiomyopathy; Primary dilated cardiomyopathy. Last evaluated: 2025-06-29. Review status: criteria provided, single submitter. Criteria: Invitae Variant Classification Sherloc (09022015). Collection method: clinical testing. Allele origin: germline.
Comment: This sequence change replaces alanine, which is neutral and non-polar, with proline, which is neutral and non-polar, at codon 345 of the PDLIM3 protein (p.Ala345Pro). This variant is not present in population databases (gnomAD no frequency). This variant has not been reported in the literature in individuals affected with PDLIM3-related conditions. ClinVar contains an entry for this variant (Variation ID: 1398471). Invitae Evidence Modeling of protein sequence and biophysical properties (such as structural, functional, and spatial information, amino acid conservation, physicochemical variation, residue mobility, and thermodynamic stability) indicates that this missense variant is expected to disrupt PDLIM3 protein function with a positive predictive value of 80%. In summary, the available evidence is currently insufficient to determine the role of this variant in disease. Therefore, it has been classified as a Variant of Uncertain Significance.